The following is an entry in ClinVar:

ClinVar aggregate classification (germline): Uncertain significance (1 of 4 stars; one submission).

Submission:

Labcorp Genetics (formerly Invitae), Labcorp
Classification: Uncertain significance. Last evaluated: 2022-07-06. Review status: criteria provided, single submitter. Criteria: Invitae Variant Classification Sherloc (09022015). Collection method: clinical testing. Allele origin: germline.
Comment: ClinVar contains an entry for this variant (Variation ID: 1351573). This variant has not been reported in the literature in individuals affected with MTTP-related conditions. This variant is not present in population databases (gnomAD no frequency). This sequence change replaces threonine, which is neutral and polar, with serine, which is neutral and polar, at codon 261 of the MTTP protein (p.Thr261Ser). In summary, the available evidence is currently insufficient to determine the role of this variant in disease. Therefore, it has been classified as a Variant of Uncertain Significance. Algorithms developed to predict the effect of missense changes on protein structure and function (SIFT, PolyPhen-2, Align-GVGD) all suggest that this variant is likely to be tolerated.

NM_001386140.1(MTTP):c.781A>T (p.Thr261Ser)

Gene: MTTP (microsomal triglyceride transfer protein; plus strand). Cytogenetic location: 4q23.
Variant type: single nucleotide variant.
Coding change: c.781A>T on transcript NM_001386140.1 (MANE Select); coding-DNA position 781, A replaced by T.
Protein change: p.Thr261Ser; replaces threonine 261 with serine.
Molecular consequence: missense variant.
Genome position (GRCh38, 1-based): chr4:99,594,755, A>T. VCF-style: chr4-99594755-A-T. GRCh37 (hg19) VCF-style: chr4-100515912-A-T.
Other names: c.781A>T, p.Thr261Ser (NM_000253.4); c.532A>T, p.Thr178Ser (NM_001300785.2); short protein forms T178S, T261S.
Identifiers: ClinVar variation 1351573 (VCV001351573.8), dbSNP rs2110220617, ClinGen allele CA357505690.